The following is an entry in ClinVar:

ClinVar aggregate classification (germline): Uncertain significance (1 of 4 stars; one submission).

Allele frequency attached by ClinVar (database versions not stated): gnomAD 0.00001; TOPMed 0.00002.
gnomAD v4.1: 12 of 1,612,478 alleles (0.00074%); highest among the groups gnomAD compares: Admixed American, 0.005%; no homozygotes.

Submission:

Labcorp Genetics (formerly Invitae), Labcorp
Classification: Uncertain significance. Last evaluated: 2024-02-17. Review status: criteria provided, single submitter. Criteria: Invitae Variant Classification Sherloc (09022015). Collection method: clinical testing. Allele origin: germline.
Comment: This sequence change replaces alanine, which is neutral and non-polar, with threonine, which is neutral and polar, at codon 4065 of the PCLO protein (p.Ala4065Thr). This variant is present in population databases (no rsID available, gnomAD 0.009%). This variant has not been reported in the literature in individuals affected with PCLO-related conditions. ClinVar contains an entry for this variant (Variation ID: 2053327). Experimental studies and prediction algorithms are not available or were not evaluated, and the functional significance of this variant is currently unknown. In summary, the available evidence is currently insufficient to determine the role of this variant in disease. Therefore, it has been classified as a Variant of Uncertain Significance.

NM_033026.6(PCLO):c.12193G>A (p.Ala4065Thr)

Gene: PCLO (piccolo presynaptic cytomatrix protein; minus strand). Cytogenetic location: 7q21.11.
Variant type: single nucleotide variant.
Coding change: c.12193G>A on transcript NM_033026.6 (MANE Select); coding-DNA position 12193, G replaced by A.
Protein change: p.Ala4065Thr; replaces alanine 4065 with threonine.
Molecular consequence: missense variant.
Genome position (GRCh38, 1-based): chr7:82,915,793, C>T on the plus strand (G>A on the coding strand, the complement: PCLO is on the minus strand). VCF-style: chr7-82915793-C-T. GRCh37 (hg19) VCF-style: chr7-82545109-C-T.
Other names: c.12193G>A, p.Ala4065Thr (NM_014510.3); short protein forms A4065T.
Identifiers: ClinVar variation 2053327 (VCV002053327.3), dbSNP rs1197818772, ClinGen allele CA367889643.